The following is an entry in ClinVar:

NM_001130438.3(SPTAN1):c.1761T>A (p.Ser587Arg)

Gene: SPTAN1 (spectrin alpha, non-erythrocytic 1; plus strand). Cytogenetic location: 9q34.11.
Variant type: single nucleotide variant.
Coding change: c.1761T>A on transcript NM_001130438.3 (MANE Select); coding-DNA position 1761, T replaced by A.
Protein change: p.Ser587Arg; replaces serine 587 with arginine.
Molecular consequence: missense variant.
Genome position (GRCh38, 1-based): chr9:128,582,804, T>A. VCF-style: chr9-128582804-T-A. GRCh37 (hg19) VCF-style: chr9-131345083-T-A.
Other names: c.1761T>A, p.Ser587Arg (NM_001195532.2, NM_001363759.2, NM_001363765.2 and 5 more transcripts); c.1797T>A, p.Ser599Arg (NM_001375312.2, NM_001375318.1); short protein forms S599R, S587R.
Identifiers: ClinVar variation 3635900 (VCV003635900.2).

ClinVar aggregate classification (germline): Uncertain significance (1 of 4 stars; one submission).

Conditions:
Early-infantile DEE. Also called: Early infantile epileptic encephalopathy; Ohtahara syndrome; Early infantile epileptic encephalopathy with suppression bursts. Identifiers: Orphanet 1934, MedGen C0393706, MONDO:0800491.

Submission:

Labcorp Genetics (formerly Invitae), Labcorp
Classification: Uncertain significance for Early-infantile DEE. Last evaluated: 2024-08-06. Review status: criteria provided, single submitter. Criteria: Invitae Variant Classification Sherloc (09022015). Collection method: clinical testing. Allele origin: germline.
Comment: This sequence change replaces serine, which is neutral and polar, with arginine, which is basic and polar, at codon 587 of the SPTAN1 protein (p.Ser587Arg). This variant is not present in population databases (gnomAD no frequency). This variant has not been reported in the literature in individuals affected with SPTAN1-related conditions. Advanced modeling of protein sequence and biophysical properties (such as structural, functional, and spatial information, amino acid conservation, physicochemical variation, residue mobility, and thermodynamic stability) has been performed at Invitae for this missense variant, however the output from this modeling did not meet the statistical confidence thresholds required to predict the impact of this variant on SPTAN1 protein function. In summary, the available evidence is currently insufficient to determine the role of this variant in disease. Therefore, it has been classified as a Variant of Uncertain Significance.